The following is an entry in ClinVar:

NM_000052.7(ATP7A):c.353T>C (p.Ile118Thr)

Gene: ATP7A (ATPase copper transporting alpha; plus strand). Cytogenetic location: Xq21.1.
Variant type: single nucleotide variant.
Coding change: c.353T>C on transcript NM_000052.7 (MANE Select); coding-DNA position 353, T replaced by C.
Protein change: p.Ile118Thr; replaces isoleucine 118 with threonine.
Molecular consequence: missense variant.
Genome position (GRCh38, 1-based): chrX:77,988,474, T>C. VCF-style: chrX-77988474-T-C. GRCh37 (hg19) VCF-style: chrX-77243970-T-C.
Other names: c.353T>C, p.Ile118Thr (NM_001282224.2); short protein forms I118T.
Identifiers: ClinVar variation 1732456 (VCV001732456.2), dbSNP rs2522289697, ClinGen allele CA413599555.
Genomic context (GRCh38, chrX:77,988,474, plus strand): 5'-TGCCATGGGACCATATCCAAAGCACATTGCTGAAGACCAAGGGTGTGACAGACATTAAAA[T>C]TTACCCTCAGAAAAGAACTGTAGCAGTGACAATAATCCCTTCTATAGTGAATGCCAATCA-3'
Protein context (NP_000043.4, residues 108-128): LKTKGVTDIK[Ile118Thr]YPQKRTVAVT

ClinVar aggregate classification (germline): Uncertain significance (1 of 4 stars; one submission).

Conditions:
Inborn genetic diseases. Identifiers: MedGen C0950123, MeSH D030342.

Allele frequency attached by ClinVar (database versions not stated): gnomAD exomes below 0.00001.
gnomAD v4.1: 1 of 1,211,517 alleles (0.000083%); highest among the groups gnomAD compares: Non-Finnish European, 0.00011%; no homozygotes.

Submission:

Ambry Genetics
Classification: Uncertain significance for Inborn genetic diseases. Last evaluated: 2020-02-26. Review status: criteria provided, single submitter. Criteria: Ambry Variant Classification Scheme 2023. Collection method: clinical testing. Allele origin: germline.
Comment: The p.I118T variant (also known as c.353T>C), located in coding exon 2 of the ATP7A gene, results from a T to C substitution at nucleotide position 353. The isoleucine at codon 118 is replaced by threonine, an amino acid with similar properties. This amino acid position is not well conserved in available vertebrate species. In addition, this alteration is predicted to be tolerated by in silico analysis. Since supporting evidence is limited at this time, the clinical significance of this alteration remains unclear.